The following is an entry in ClinVar:

NM_001008537.3(NEXMIF):c.3855G>A (p.Leu1285=)

Gene: NEXMIF (neurite extension and migration factor; minus strand). Cytogenetic location: Xq13.3.
Variant type: single nucleotide variant.
Coding change: c.3855G>A on transcript NM_001008537.3 (MANE Select); coding-DNA position 3855, G replaced by A.
Protein change: p.Leu1285=; no amino-acid change (leucine 1285 retained).
Molecular consequence: synonymous variant.
Genome position (GRCh38, 1-based): chrX:74,740,702, C>T on the plus strand (G>A on the coding strand, the complement: NEXMIF is on the minus strand). VCF-style: chrX-74740702-C-T. GRCh37 (hg19) VCF-style: chrX-73960537-C-T.
Identifiers: ClinVar variation 390337 (VCV000390337.1), dbSNP rs1057523733, ClinGen allele CA16608931.
Genomic context (GRCh38, chrX:74,740,702, plus strand): 5'-AAGGCTGTTGGTGTTGGTGCCCATGCTCATATCACTCCAGCCTGGGCTGCTCTCCTTCCC[C>T]AAGGCCCAATCTCCAGAAAGTCCCTTTTGACTTGGCATCTTCATAGAGGCCATAGGGCCA-3'
Protein context (NP_001008537.1, residues 1275-1295): SQKGLSGDWA[Leu1285=]GKESSPGWSD

ClinVar aggregate classification (germline): Likely benign (1 of 4 stars; one submission).

Allele frequency attached by ClinVar (database versions not stated): gnomAD exomes below 0.00001.
gnomAD v4.1: 1 of 1,212,153 alleles (0.000082%); highest among the groups gnomAD compares: Non-Finnish European, 0.00011%; no homozygotes.

Submission:

GeneDx
Classification: Likely benign. Last evaluated: 2016-11-04. Review status: criteria provided, single submitter. Criteria: GeneDx Variant Classification (06012015). Collection method: clinical testing. Allele origin: germline. Affected: yes.
Comment: This variant is considered likely benign or benign based on one or more of the following criteria: it is a conservative change, it occurs at a poorly conserved position in the protein, it is predicted to be benign by multiple in silico algorithms, and/or has population frequency not consistent with disease.